The following is an entry in ClinVar:

NM_001289104.2(PRKCSH):c.247_248insT (p.Lys83fs)

Gene: PRKCSH (PRKCSH beta subunit of glucosidase II; plus strand). Cytogenetic location: 19p13.2.
Variant type: Insertion.
Coding change: c.247_248insT on transcript NM_001289104.2 (MANE Select); coding-DNA positions 247 to 248, T inserted.
Protein change: p.Lys83fs; shifts the reading frame from lysine 83.
Molecular consequence: frameshift variant.
Genome position: GRCh38 VCF-style: chr19-11437926-A-AT. GRCh37 (hg19) VCF-style: chr19-11548747-A-AT.
Other names: c.247_248insT, p.Lys83fs (NM_001001329.3, NM_001289102.2, NM_001289103.2 and 3 more transcripts); short protein forms K83fs.
Identifiers: ClinVar variation 3234974 (VCV003234974.1), dbSNP rs2512507349, ClinGen allele CA2825002742.
Genomic context (GRCh38, chr19:11,437,926, plus strand): 5'-TTCCTCACAGGCACGGCTGCCTGTCCTAATGGCAGCTTCCACTGCACCAACACTGGCTAT[A>AT]AGCCCCTGTATATCCCCTCCAACCGGGTCAACGATGGTGTTTGTGGTAAGTGAAGATGCA-3'

ClinVar aggregate classification (germline): Likely pathogenic (1 of 4 stars; one submission).

Conditions:
Polycystic liver disease 1 (PCLD1). Also called: Polycystic liver disease 1 with or without kidney cysts. Identifiers: Orphanet 2924, MedGen C0887850, MONDO:0008265, OMIM 174050.

Submission:

Neuberg Centre For Genomic Medicine, NCGM
Classification: Likely pathogenic for Polycystic liver disease 1. Review status: criteria provided, single submitter. Criteria: ACMG Guidelines, 2015. Collection method: clinical testing. Allele origin: germline. Inheritance: Autosomal dominant inheritance. Affected: yes.
Comment: The frameshift c.247_248insT p.Lys83IlefsTer16 variant in PRKCSH gene has not been reported previously as a pathogenic variant nor as a benign variant, to our knowledge. The p.Lys83IlefsTer16 variant is novel not in any individuals in gnomAD Exomes and 1000 Genomes. This variant has not been reported to the ClinVar database. This variant causes a frameshift starting with codon Lysine 83, changes this amino acid to Isoleucine residue, and creates a premature Stop codon at position 16 of the new reading frame, denoted p.Lys83IlefsTer16. This variant is predicted to cause loss of normal protein function through protein truncation. Loss of function variants have been previously reported to be disease causing. For these reasons, this variant has been classified as Likely Pathogenic.